The following is an entry in ClinVar:

ClinVar aggregate classification (germline): Pathogenic/Likely pathogenic. Review status: criteria provided, multiple submitters, no conflicts (2 of 4 stars). 3 submissions from 3 submitters: Pathogenic (2); Likely pathogenic (1). Last evaluated 2026-03-04.

Conditions:
Familial adenomatous polyposis 1 (FAP1). Also called: FAMILIAL ADENOMATOUS POLYPOSIS 1, ATTENUATED; POLYPOSIS, ADENOMATOUS INTESTINAL. Identifiers: MedGen C2713442, MONDO:0021056, OMIM 175100. Disease mechanism: loss of function.
Hereditary cancer-predisposing syndrome. Also called: Neoplastic Syndromes, Hereditary; Hereditary neoplastic syndrome; Tumor predisposition; Hereditary Cancer Syndrome. Identifiers: Orphanet 140162, MedGen C0027672, MeSH D009386, MONDO:0015356.

Submissions (3):

Ambry Genetics
Classification: Likely pathogenic for Hereditary cancer-predisposing syndrome. Last evaluated: 2026-03-04. Review status: criteria provided, single submitter. Criteria: Ambry Variant Classification Scheme 2023. Collection method: clinical testing. Allele origin: germline.
Comment: The c.4670_4671delTT variant, located in coding exon 15 of the APC gene, results from a deletion of two nucleotides at nucleotide positions 4670 to 4671, causing a translational frameshift with a predicted alternate stop codon (p.I1557Rfs*3). This variant occurs at the 3' terminus of the gene, is not expected to trigger nonsense-mediated mRNA decay, and impacts the last 45% of the protein. However, premature stop codons are typically deleterious in nature and a significant portion of the protein is affected (Ambry internal data). This variant was reported in individual(s) with features consistent with APC-related familial adenomatous polyposis (Ambry internal data). This variant is considered to be rare based on population cohorts in the Genome Aggregation Database (gnomAD). Based on the majority of available evidence to date, this variant is likely to be pathogenic.

Labcorp Genetics (formerly Invitae), Labcorp
Classification: Pathogenic for Familial adenomatous polyposis 1. Last evaluated: 2024-02-15. Review status: criteria provided, single submitter. Criteria: Invitae Variant Classification Sherloc (09022015). Collection method: clinical testing. Allele origin: germline.
Comment: This sequence change creates a premature translational stop signal (p.Ile1557Argfs*3) in the APC gene. While this is not anticipated to result in nonsense mediated decay, it is expected to disrupt the last 1287 amino acid(s) of the APC protein. This variant is not present in population databases (gnomAD no frequency). This variant has not been reported in the literature in individuals affected with APC-related conditions. ClinVar contains an entry for this variant (Variation ID: 573000). This variant is expected to disrupt the EB1 and HDLG binding sites, which mediate interactions with the cytoskeleton (PMID: 15311282, 17293347). While functional studies have not been performed to directly test the effect on APC protein function, this suggests that disruption of the C-terminal portion of the protein is functionally important. A different truncation (p.Tyr2645Lysfs*14) that lies downstream of this variant has been determined to be pathogenic (PMID: 9824584, 1316610, 27081525, 8381579, 22135120, Invitae). This suggests that deletion of this region of the APC protein is causative of disease. For these reasons, this variant has been classified as Pathogenic.

Myriad Genetics, Inc.
Classification: Pathogenic for Familial adenomatous polyposis 1. Last evaluated: 2023-05-11. Review status: criteria provided, single submitter. Criteria: Myriad Autosomal Dominant, Autosomal Recessive and X-Linked Classification Criteria (2023). Collection method: clinical testing. Allele origin: unknown.
Comment: This variant is considered pathogenic. This variant creates a frameshift predicted to result in premature protein truncation.

Literature cited by the submitters: PubMed 15311282 (cited by Labcorp Genetics (formerly Invitae), Labcorp); PubMed 17293347 (cited by Labcorp Genetics (formerly Invitae), Labcorp); PubMed 9824584 (cited by Labcorp Genetics (formerly Invitae), Labcorp); PubMed 1316610 (cited by Labcorp Genetics (formerly Invitae), Labcorp); PubMed 27081525 (cited by Labcorp Genetics (formerly Invitae), Labcorp); PubMed 8381579 (cited by Labcorp Genetics (formerly Invitae), Labcorp); PubMed 22135120 (cited by Labcorp Genetics (formerly Invitae), Labcorp).

NM_000038.6(APC):c.4670_4671del (p.Ile1557fs)

Gene: APC (APC regulator of Wnt signaling pathway; plus strand). Cytogenetic location: 5q22.2.
Variant type: Deletion.
Coding change: c.4670_4671del on transcript NM_000038.6 (MANE Select); coding-DNA positions 4670 to 4671, 2 bases deleted (TT; older notation c.4670_4671delTT).
Protein change: p.Ile1557fs; shifts the reading frame from isoleucine 1557.
Molecular consequence: frameshift variant.
Genome position (GRCh38, 1-based): chr5:112,840,264-112,840,265, TT deleted. VCF-style (leftmost placement, unchanged base first): chr5-112840263-ATT-A. GRCh37 (hg19) VCF-style: chr5-112175960-ATT-A.
Other names: c.4670_4671del, p.Ile1557fs (NM_001127510.3, NM_001354895.2); c.4616_4617del, p.Ile1539fs (NM_001127511.3); c.4724_4725del, p.Ile1575fs (NM_001354896.2); c.4700_4701del, p.Ile1567fs (NM_001354897.2); c.4595_4596del, p.Ile1532fs (NM_001354898.2); c.4586_4587del, p.Ile1529fs (NM_001354899.2); c.4547_4548del, p.Ile1516fs (NM_001354900.2); c.4493_4494del, p.Ile1498fs (NM_001354901.2); and 5 more; short protein forms I1431fs, I1466fs, I1529fs, I1575fs, I1274fs, I1456fs, I1516fs, I1539fs.
Identifiers: ClinVar variation 573000 (VCV000573000.13), dbSNP rs1561594547, ClinGen allele CA891843023.